The following is an entry in ClinVar:

ClinVar aggregate classification (germline): Uncertain significance. Review status: criteria provided, multiple submitters, no conflicts (2 of 4 stars). 2 submissions from 2 submitters: Uncertain significance (2). Last evaluated 2023-10-22.

Conditions:
Vici syndrome (VICIS). Identifiers: Orphanet 1493, MedGen C1855772, MONDO:0009452, OMIM 242840.

Allele frequency attached by ClinVar (database versions not stated): ExAC 0.00002; gnomAD exomes 0.00002 and 0.00003; TOPMed 0.00002; gnomAD 0.00003 and 0.00004.
gnomAD v4.1: 49 of 1,612,002 alleles (0.003%); highest among the groups gnomAD compares: Admixed American, 0.01%; no homozygotes.

Submissions (2):

Labcorp Genetics (formerly Invitae), Labcorp
Classification: Uncertain significance for Vici syndrome. Last evaluated: 2023-10-22. Review status: criteria provided, single submitter. Criteria: Invitae Variant Classification Sherloc (09022015). Collection method: clinical testing. Allele origin: germline.
Comment: This sequence change replaces valine, which is neutral and non-polar, with methionine, which is neutral and non-polar, at codon 1482 of the EPG5 protein (p.Val1482Met). This variant is present in population databases (rs746749336, gnomAD 0.006%). This variant has not been reported in the literature in individuals affected with EPG5-related conditions. ClinVar contains an entry for this variant (Variation ID: 377379). Advanced modeling of protein sequence and biophysical properties (such as structural, functional, and spatial information, amino acid conservation, physicochemical variation, residue mobility, and thermodynamic stability) performed at Invitae indicates that this missense variant is not expected to disrupt EPG5 protein function. In summary, the available evidence is currently insufficient to determine the role of this variant in disease. Therefore, it has been classified as a Variant of Uncertain Significance.

Center for Pediatric Genomic Medicine, Children's Mercy Hospital and Clinics
Classification: Uncertain significance. Last evaluated: 2016-08-26. Review status: criteria provided, single submitter. Criteria: ACMG Guidelines, 2015. Collection method: clinical testing. Allele origin: germline.
ClinVar note: Converted during submission from Uncertain Significance to Uncertain significance.

NM_020964.3(EPG5):c.4444G>A (p.Val1482Met)

Gene: EPG5 (ectopic P-granules 5 autophagy tethering factor; minus strand). Cytogenetic location: 18q21.1.
Variant type: single nucleotide variant.
Coding change: c.4444G>A on transcript NM_020964.3 (MANE Select); coding-DNA position 4444, G replaced by A.
Protein change: p.Val1482Met; replaces valine 1482 with methionine.
Molecular consequence: missense variant.
Genome position (GRCh38, 1-based): chr18:45,904,003, C>T on the plus strand (G>A on the coding strand, the complement: EPG5 is on the minus strand). VCF-style: chr18-45904003-C-T. GRCh37 (hg19) VCF-style: chr18-43483968-C-T.
Other names: c.4444G>A, p.Val1482Met (LRG_1234t1); short protein forms V1482M.
Identifiers: ClinVar variation 377379 (VCV000377379.10), dbSNP rs746749336, ClinGen allele CA8948868.